The following is an entry in ClinVar:

ClinVar aggregate classification (germline): Uncertain significance (1 of 4 stars; one submission).

Conditions:
Familial cancer of breast. Also called: BREAST CANCER, FAMILIAL; hereditary breast carcinoma; Hereditary breast cancer. Identifiers: Orphanet 227535, MedGen C0346153, MONDO:0016419, OMIM 114480. Disease mechanism: loss of function.
Fanconi anemia complementation group J. Also called: BRIP1-Related Fanconi Anemia. Identifiers: Orphanet 84, MedGen C1836860, MONDO:0012187, OMIM 609054.

Submission:

Labcorp Genetics (formerly Invitae), Labcorp
Classification: Uncertain significance for Familial cancer of breast; Fanconi anemia complementation group J. Last evaluated: 2025-07-15. Review status: criteria provided, single submitter. Criteria: Invitae Variant Classification Sherloc (09022015). Collection method: clinical testing. Allele origin: germline.
Comment: This sequence change creates a premature translational stop signal (p.Leu1008Thrfs*6) in the BRIP1 gene. While this is not anticipated to result in nonsense mediated decay, it is expected to disrupt the last 242 amino acid(s) of the BRIP1 protein. This variant is not present in population databases (gnomAD no frequency). This variant has not been reported in the literature in individuals affected with BRIP1-related conditions. ClinVar contains an entry for this variant (Variation ID: 2954480). In summary, the available evidence is currently insufficient to determine the role of this variant in disease. Therefore, it has been classified as a Variant of Uncertain Significance.

NM_032043.3(BRIP1):c.3022_3047del (p.Leu1008fs)

Gene: BRIP1 (BRCA1 interacting DNA helicase 1; minus strand). Cytogenetic location: 17q23.2.
Variant type: Deletion.
Coding change: c.3022_3047del on transcript NM_032043.3 (MANE Select); coding-DNA positions 3022 to 3047, 26 bases deleted (TTGGGACAGTATTTTACTGGTAAAAT).
Protein change: p.Leu1008fs; shifts the reading frame from leucine 1008.
Molecular consequence: frameshift variant.
Genome position (GRCh38, 1-based): chr17:61,683,999-61,684,024, ATTTTACCAGTAAAATACTGTCCCAA deleted on the plus strand (TTGGGACAGTATTTTACTGGTAAAAT on the coding strand, the reverse complement: BRIP1 is on the minus strand); deleting any 26 consecutive bases within chr17:61,683,999-61,684,025 gives the same sequence; the c. name uses the placement nearest the transcript's 3' end. VCF-style (leftmost placement, unchanged base first): chr17-61683998-TATTTTACCAGTAAAATACTGTCCCAA-T. GRCh37 (hg19) VCF-style: chr17-59761359-TATTTTACCAGTAAAATACTGTCCCAA-T.
Other names: short protein forms L1008fs.
Identifiers: ClinVar variation 2954480 (VCV002954480.3), dbSNP rs2544561004, ClinGen allele CA2740093838.
Genomic context (GRCh38, chr17:61,683,998, plus strand): 5'-GAAACGGGGAGGACTAGAGGCACTATTCTCTGATGACCCGAGCTCAGGTGTTGCCTTCGG[TATTTTACCAGTAAAATACTGTCCCAA>T]AGAATTAAAGCTTGACCAGCTAACTCTCTTTGTTTGTTTGTTGAAAGTTGGGCTTGTGGA-3'